The following is an entry in ClinVar:

ClinVar aggregate classification (germline): Pathogenic. Review status: criteria provided, multiple submitters, no conflicts (2 of 4 stars). 2 submissions from 2 submitters: Pathogenic (2). Last evaluated 2024-09-01.

Conditions:
Autosomal recessive polycystic kidney disease (ARPKD). Also called: AR polycystic kidney disease. Identifiers: Orphanet 731, Orphanet 8378, MedGen C0085548, MeSH D017044, MONDO:0009889.

Submissions (2):

Natera, Inc.
Classification: Pathogenic for Autosomal recessive polycystic kidney disease. Last evaluated: 2024-09-01. Review status: criteria provided, single submitter. Criteria: Natera Variant Classification Schema (03/2026). Collection method: clinical testing. Allele origin: germline.
Comment: The c.6001G>T variant in PKHD1 is a nonsense variant predicted to introduce a stop codon at amino acid 2001. This variant is expected to result in nonsense mediated decay, truncation, or a dysfunctional protein product. This variant is rare in the general population with a frequency below the threshold expected for the associated phenotype(s). This variant has been observed in one or more individuals affected with the associated recessive disease, as either homozygous or compound heterozygous with a second variant (PMID: 36835961). Given the available evidence, this variant is classified as Pathogenic.

Labcorp Genetics (formerly Invitae), Labcorp
Classification: Pathogenic for Autosomal recessive polycystic kidney disease. Last evaluated: 2022-12-02. Review status: criteria provided, single submitter. Criteria: Invitae Variant Classification Sherloc (09022015). Collection method: clinical testing. Allele origin: germline.
Comment: For these reasons, this variant has been classified as Pathogenic. This variant has not been reported in the literature in individuals affected with PKHD1-related conditions. This variant is not present in population databases (gnomAD no frequency). This sequence change creates a premature translational stop signal (p.Glu2001*) in the PKHD1 gene. It is expected to result in an absent or disrupted protein product. Loss-of-function variants in PKHD1 are known to be pathogenic (PMID: 19940839).

Literature cited by the submitters: PubMed 36835961 (cited by Natera, Inc.); PubMed 19940839 (cited by Labcorp Genetics (formerly Invitae), Labcorp).

NM_138694.4(PKHD1):c.6001G>T (p.Glu2001Ter)

Gene: PKHD1 (PKHD1 ciliary IPT domain containing fibrocystin/polyductin; minus strand). Cytogenetic location: 6p12.2.
Variant type: single nucleotide variant.
Coding change: c.6001G>T on transcript NM_138694.4 (MANE Select); coding-DNA position 6001, G replaced by T.
Protein change: p.Glu2001Ter; replaces glutamic acid 2001 with a stop codon.
Molecular consequence: nonsense.
Genome position (GRCh38, 1-based): chr6:51,934,230, C>A on the plus strand (G>T on the coding strand, the complement: PKHD1 is on the minus strand). VCF-style: chr6-51934230-C-A. GRCh37 (hg19) VCF-style: chr6-51799028-C-A.
Other names: c.6001G>T (NM_138694.3); c.6001G>T, p.Glu2001Ter (NM_170724.3); short protein forms E2001*.
Identifiers: ClinVar variation 2815861 (VCV002815861.4), dbSNP rs200599637, ClinGen allele CA364417820.